The following is an entry in ClinVar:

NM_032603.5(LOXL3):c.1164C>A (p.His388Gln)

Gene: LOXL3 (lysyl oxidase like 3; minus strand). Cytogenetic location: 2p13.1.
Variant type: single nucleotide variant.
Coding change: c.1164C>A on transcript NM_032603.5 (MANE Select); coding-DNA position 1164, C replaced by A.
Protein change: p.His388Gln; replaces histidine 388 with glutamine.
Molecular consequence: missense variant.
Genome position (GRCh38, 1-based): chr2:74,536,080, G>T on the plus strand (C>A on the coding strand, the complement: LOXL3 is on the minus strand). VCF-style: chr2-74536080-G-T. GRCh37 (hg19) VCF-style: chr2-74763207-G-T.
Other names: c.729C>A, p.His243Gln (NM_001289164.3); c.81C>A, p.His27Gln (NM_001289165.2); c.1164C>A (NM_032603.2); short protein forms H243Q, H388Q, H27Q.
Identifiers: ClinVar variation 1350349 (VCV001350349.6), dbSNP rs969774550, ClinGen allele CA50492114.

ClinVar aggregate classification (germline): Uncertain significance. Review status: criteria provided, multiple submitters, no conflicts (2 of 4 stars). 2 submissions from 2 submitters: Uncertain significance (2). Last evaluated 2025-04-22.

gnomAD v4.1: 5 of 1,613,542 alleles (0.00031%); highest among the groups gnomAD compares: Non-Finnish European, 0.00042%; no homozygotes.

Submissions (2):

Ambry Genetics
Classification: Uncertain significance. Last evaluated: 2025-04-22. Review status: criteria provided, single submitter. Criteria: Ambry Variant Classification Scheme 2023. Collection method: clinical testing. Allele origin: germline.

Labcorp Genetics (formerly Invitae), Labcorp
Classification: Uncertain significance. Last evaluated: 2022-07-30. Review status: criteria provided, single submitter. Criteria: Invitae Variant Classification Sherloc (09022015). Collection method: clinical testing. Allele origin: germline.
Comment: This sequence change replaces histidine, which is basic and polar, with glutamine, which is neutral and polar, at codon 388 of the LOXL3 protein (p.His388Gln). This variant is not present in population databases (gnomAD no frequency). This variant has not been reported in the literature in individuals affected with LOXL3-related conditions. ClinVar contains an entry for this variant (Variation ID: 1350349). Algorithms developed to predict the effect of missense changes on protein structure and function (SIFT, PolyPhen-2, Align-GVGD) all suggest that this variant is likely to be tolerated. In summary, the available evidence is currently insufficient to determine the role of this variant in disease. Therefore, it has been classified as a Variant of Uncertain Significance.